The following is an entry in ClinVar:

NM_001364905.1(LRBA):c.7648C>G (p.Gln2550Glu)

Gene: LRBA (LPS responsive beige-like anchor protein; minus strand). Cytogenetic location: 4q31.3.
Variant type: single nucleotide variant.
Coding change: c.7648C>G on transcript NM_001364905.1 (MANE Select); coding-DNA position 7648, C replaced by G.
Protein change: p.Gln2550Glu; replaces glutamine 2550 with glutamic acid.
Molecular consequence: missense variant.
Genome position (GRCh38, 1-based): chr4:150,315,606, G>C on the plus strand (C>G on the coding strand, the complement: LRBA is on the minus strand). VCF-style: chr4-150315606-G-C. GRCh37 (hg19) VCF-style: chr4-151236758-G-C.
Other names: c.7648C>G, p.Gln2550Glu (NM_001199282.3); c.7663C>G, p.Gln2555Glu (NM_001367550.1); c.7681C>G, p.Gln2561Glu (NM_006726.5); short protein forms Q2550E, Q2555E, Q2561E.
Identifiers: ClinVar variation 1488184 (VCV001488184.5), dbSNP rs754431851, ClinGen allele CA358599946.
Genomic context (GRCh38, chr4:150,315,606, plus strand): 5'-AAGGAAGTGACAGACCTATGAGAGGATCGATTTCCACTGGCAGCTGGTATGGCTGGTCTT[G>C]TACAGCACCTTGATGAGCTGGAATTCACAAAAGATAAAGAAAAAAGGCATTATTTTTTAT-3'
Protein context (NP_001351834.1, residues 2540-2560): HNLPAHQGAV[Gln2550Glu]DQPYQLPVEI

ClinVar aggregate classification (germline): Uncertain significance (1 of 4 stars; one submission).

Conditions:
Combined immunodeficiency due to LRBA deficiency. Also called: Common variable immunodeficiency 8, with autoimmunity. Identifiers: Orphanet 445018, MedGen C3553512, MONDO:0013863, OMIM 614700.

Submission:

Labcorp Genetics (formerly Invitae), Labcorp
Classification: Uncertain significance for Combined immunodeficiency due to LRBA deficiency. Last evaluated: 2021-08-14. Review status: criteria provided, single submitter. Criteria: Invitae Variant Classification Sherloc (09022015). Collection method: clinical testing. Allele origin: germline.
Comment: This sequence change replaces glutamine with glutamic acid at codon 2561 of the LRBA protein (p.Gln2561Glu). The glutamine residue is moderately conserved and there is a small physicochemical difference between glutamine and glutamic acid. This variant is not present in population databases (ExAC no frequency). This variant has not been reported in the literature in individuals affected with LRBA-related conditions. Algorithms developed to predict the effect of missense changes on protein structure and function are either unavailable or do not agree on the potential impact of this missense change (SIFT: "Tolerated"; PolyPhen-2: "Possibly Damaging"; Align-GVGD: "Class C0"). In summary, the available evidence is currently insufficient to determine the role of this variant in disease. Therefore, it has been classified as a Variant of Uncertain Significance.